The following is an entry in ClinVar:

ClinVar aggregate classification (germline): Benign (1 of 4 stars; one submission).

Allele frequency attached by ClinVar (database versions not stated): 1000 Genomes Project 0.73462; 1000 Genomes Project 30x 0.73579; gnomAD 0.71586 and 0.71657; TOPMed 0.72251.
gnomAD v4.1: 108,872 of 151,942 alleles (72%); highest among the groups gnomAD compares: African/African-American, 76%; 39,201 homozygotes.

Submission:

GeneDx
Classification: Benign. Last evaluated: 2018-06-19. Review status: criteria provided, single submitter. Criteria: GeneDx Variant Classification (06012015). Collection method: clinical testing. Allele origin: germline. Affected: yes.
Comment: This variant is considered likely benign or benign based on one or more of the following criteria: it is a conservative change, it occurs at a poorly conserved position in the protein, it is predicted to be benign by multiple in silico algorithms, and/or has population frequency not consistent with disease.

NM_005045.4(RELN):c.3333+259A>G

Gene: RELN (reelin; minus strand). Cytogenetic location: 7q22.1.
Variant type: single nucleotide variant.
Coding change: c.3333+259A>G on transcript NM_005045.4 (MANE Select); 259 bases into the intron after coding-DNA position 3333, A replaced by G.
Molecular consequence: intron variant.
Genome position (GRCh38, 1-based): chr7:103,603,045, T>C on the plus strand (A>G on the coding strand, the complement: RELN is on the minus strand). VCF-style: chr7-103603045-T-C. GRCh37 (hg19) VCF-style: chr7-103243492-T-C.
Other names: c.3333+259A>G (NM_173054.3).
Identifiers: ClinVar variation 684064 (VCV000684064.1), dbSNP rs123714, ClinGen allele CA16309862.